The following is an entry in ClinVar:

NM_177438.3(DICER1):c.2472G>T (p.Glu824Asp)

Gene: DICER1 (dicer 1, ribonuclease III; minus strand). Cytogenetic location: 14q32.13.
Variant type: single nucleotide variant.
Coding change: c.2472G>T on transcript NM_177438.3 (MANE Select); coding-DNA position 2472, G replaced by T.
Protein change: p.Glu824Asp; replaces glutamic acid 824 with aspartic acid.
Molecular consequence: missense variant. On other transcripts: non-coding transcript variant (6).
Genome position (GRCh38, 1-based): chr14:95,108,058, C>A on the plus strand (G>T on the coding strand, the complement: DICER1 is on the minus strand). VCF-style: chr14-95108058-C-A. GRCh37 (hg19) VCF-style: chr14-95574395-C-A.
Other names: c.2472G>T, p.Glu824Asp (NM_001195573.1, NM_001271282.3, NM_001291628.2 and 12 more transcripts); c.2190G>T, p.Glu730Asp (NM_001395686.1); c.2067G>T, p.Glu689Asp (NM_001395687.1, NM_001395688.1, NM_001395689.1 and 2 more transcripts); c.1905G>T, p.Glu635Asp (NM_001395691.1); c.789G>T, p.Glu263Asp (NM_001395697.1); short protein forms E689D, E730D, E263D, E635D, E824D.
Identifiers: ClinVar variation 3501968 (VCV003501968.1).

ClinVar aggregate classification (germline): Uncertain significance (1 of 4 stars; one submission).

Conditions:
Hereditary cancer-predisposing syndrome. Also called: Tumor predisposition; Neoplastic Syndromes, Hereditary; Hereditary Cancer Syndrome; Hereditary neoplastic syndrome. Identifiers: Orphanet 140162, MedGen C0027672, MeSH D009386, MONDO:0015356.

Submission:

Ambry Genetics
Classification: Uncertain significance for Hereditary cancer-predisposing syndrome. Last evaluated: 2024-11-30. Review status: criteria provided, single submitter. Criteria: Ambry Variant Classification Scheme 2023. Collection method: clinical testing. Allele origin: germline.
Comment: The p.E824D variant (also known as c.2472G>T), located in coding exon 15 of the DICER1 gene, results from a G to T substitution at nucleotide position 2472. The glutamic acid at codon 824 is replaced by aspartic acid, an amino acid with highly similar properties. This amino acid position is conserved. In addition, the in silico prediction for this alteration is inconclusive. Based on the available evidence, the clinical significance of this variant remains unclear.